The following is an entry in ClinVar:

ClinVar aggregate classification (germline): Benign (3 of 4 stars; one submission).

Conditions:
Breast-ovarian cancer, familial, susceptibility to, 1 (BROVCA1). Also called: BRCA1 Hereditary Breast and Ovarian Cancer; OVARIAN CANCER, SUSCEPTIBILITY TO. Identifiers: Orphanet 145, MedGen C2676676, MONDO:0011450, OMIM 604370. Disease mechanism: loss of function.

Allele frequency attached by ClinVar (database versions not stated): TOPMed 0.29970; 1000 Genomes Project 30x 0.34494; 1000 Genomes Project 0.35304.
gnomAD v4.1: 46,859 of 137,468 alleles (34%); highest among the groups gnomAD compares: South Asian, 52%; 7,656 homozygotes.

Submission:

Evidence-based Network for the Interpretation of Germline Mutant Alleles (ENIGMA)
Classification: Benign for Breast-ovarian cancer, familial 1. Last evaluated: 2015-01-12. Review status: reviewed by expert panel. Criteria: ENIGMA BRCA1/2 Classification Criteria (2015). Collection method: curation. Allele origin: germline.
Comment: Class 1 not pathogenic based on frequency >1% in an outbred sampleset. Frequency 0.3339 (Asian), 0.2114 (African), 0.3509 (European), derived from 1000 genomes (2012-04-30).

NM_007294.4(BRCA1):c.80+2939C>T

Gene: BRCA1 (BRCA1 DNA repair associated; minus strand). Cytogenetic location: 17q21.31.
Variant type: single nucleotide variant.
Coding change: c.80+2939C>T on transcript NM_007294.4 (MANE Select); 2939 bases into the intron after coding-DNA position 80, C replaced by T.
Molecular consequence: intron variant.
Genome position (GRCh38, 1-based): chr17:43,121,078, G>A on the plus strand (C>T on the coding strand, the complement: BRCA1 is on the minus strand). VCF-style: chr17-43121078-G-A. GRCh37 (hg19) VCF-style: chr17-41273095-G-A.
Other names: IVS 2+2939C>T; c.-8+2939C>T (NM_001407738.1, NM_001407932.1, NM_001408464.1 and 23 more transcripts); c.-109+2939C>T (NM_001407886.1, NM_001408509.1, NM_001408508.1 and 46 more transcripts); c.80+2939C>T (NM_001407686.1, NM_001408397.1, NM_001407632.1 and 192 more transcripts); c.-55+2939C>T (NM_001407898.1, NM_001407881.1, NM_001407902.1); c.-225+2939C>T (NM_001408492.1, NM_001407889.1); c.-178+2939C>T (NM_001408468.1, NM_001407842.1, NM_001407749.1 and 11 more transcripts); c.-182+2939C>T (NM_001407695.1, NM_001408465.1); and 23 more.
Identifiers: ClinVar variation 209559 (VCV000209559.2), dbSNP rs35668327, ClinGen allele CA276528.